The following is an entry in ClinVar:

NM_031407.7(HUWE1):c.1589A>G (p.His530Arg)

Gene: HUWE1 (HECT, UBA and WWE domain containing E3 ubiquitin protein ligase 1; minus strand). Cytogenetic location: Xp11.22.
Variant type: single nucleotide variant.
Coding change: c.1589A>G on transcript NM_031407.7 (MANE Select); coding-DNA position 1589, A replaced by G.
Protein change: p.His530Arg; replaces histidine 530 with arginine.
Molecular consequence: missense variant.
Genome position (GRCh38, 1-based): chrX:53,625,159, T>C on the plus strand (A>G on the coding strand, the complement: HUWE1 is on the minus strand). VCF-style: chrX-53625159-T-C. GRCh37 (hg19) VCF-style: chrX-53652120-T-C.
Other names: c.1589A>G, p.His530Arg (NM_001441048.1, NM_001441049.1, NM_001441051.1 and 6 more transcripts); c.1610A>G, p.His537Arg (NM_001441050.1, NM_001441055.1); short protein forms H530R, H537R.
Identifiers: ClinVar variation 4621861 (VCV004621861.1).

ClinVar aggregate classification (germline): Uncertain significance (1 of 4 stars; one submission).

Conditions:
Inborn genetic diseases. Identifiers: MedGen C0950123, MeSH D030342.

gnomAD v4.1: 3 of 1,149,716 alleles (0.00026%); highest among the groups gnomAD compares: Non-Finnish European, 0.00036%; no homozygotes.

Submission:

Ambry Genetics
Classification: Uncertain significance for Inborn genetic diseases. Last evaluated: 2025-11-06. Review status: criteria provided, single submitter. Criteria: Ambry Variant Classification Scheme 2023. Collection method: clinical testing. Allele origin: germline.
Comment: The c.1589A>G (p.H530R) alteration is located in exon 18 (coding exon 15) of the HUWE1 gene. This alteration results from a A to G substitution at nucleotide position 1589, causing the histidine (H) at amino acid position 530 to be replaced by an arginine (R). Based on data from gnomAD, the G allele has an overall frequency of 0.001% (2/183292) total alleles studied. The highest observed frequency was 0.002% (2/81848) of European (non-Finnish) alleles. Based on insufficient or conflicting evidence, the clinical significance of this alteration remains unclear.